The following is an entry in ClinVar:

NM_000138.5(FBN1):c.497G>C (p.Cys166Ser)

Gene: FBN1 (fibrillin 1; minus strand). Cytogenetic location: 15q21.1.
Variant type: single nucleotide variant.
Coding change: c.497G>C on transcript NM_000138.5 (MANE Select); coding-DNA position 497, G replaced by C.
Protein change: p.Cys166Ser; replaces cysteine 166 with serine.
Molecular consequence: missense variant.
Genome position (GRCh38, 1-based): chr15:48,596,324, C>G on the plus strand (G>C on the coding strand, the complement: FBN1 is on the minus strand). VCF-style: chr15-48596324-C-G. GRCh37 (hg19) VCF-style: chr15-48888521-C-G.
Other names: short protein forms C166S.
Identifiers: ClinVar variation 42377 (VCV000042377.4), dbSNP rs397515818, ClinGen allele CA015519.

ClinVar aggregate classification (germline): Likely pathogenic (1 of 4 stars; one submission).

Conditions:
Marfan syndrome (MFS). Also called: FBN1-Related Marfan Syndrome; Marfan syndrome, classic; MARFAN SYNDROME, TYPE I; Marfan syndrome type 1; Marfan's syndrome. Identifiers: Orphanet 284963, Orphanet 558, MedGen C0024796, MONDO:0007947, OMIM 154700.

Submission:

Laboratory for Molecular Medicine, Mass General Brigham Personalized Medicine
Classification: Likely pathogenic for Marfan syndrome. Last evaluated: 2012-04-17. Review status: criteria provided, single submitter. Criteria: LMM Criteria. Collection method: clinical testing. Allele origin: germline. Observed: 1 variant allele.
Comment: The Cys166Ser variant (FBN1) has been reported in one individual with clinical f eatures of Marfan syndrome (Biggin 2004). In addition, functional analysis revea ls that the variant affects normal fibrillin microfibril assembly (Massan-Wu 201 0). Furthermore, this variant alters a conserved cysteine residue which is predi cted to disrupt a disulfide bridge in an EGF-like domain of the protein. Cystein e residue alterations in EGF-like domains of FBN1 are commonly altered in patien ts with clinical features of Marfan syndrome (Schrijver 1999). In summary, this variant is likely to be pathogenic, though segregation studies and functional an alyses are required to fully establish the pathogenicity of this variant.

Literature cited by the submitters: PubMed 9016526; PubMed 14695540; PubMed 20699357; PubMed 10486319.